The following is an entry in ClinVar:

ClinVar aggregate classification (germline): Uncertain significance (1 of 4 stars; one submission).

Conditions:
Immunodeficiency 104. Also called: Severe combined immunodeficiency, autosomal recessive, T cell-negative, B cell-positive, NK cell-positive; Severe Combined Immune Deficiency, Autosomal Recessive, TCell -Negative, B Cell-Positive, NK Cell-Positive, IL7R-Related; SCID, AUTOSOMAL RECESSIVE, T CELL-NEGATIVE, B CELL-POSITIVE, NK CELL-POSITIVE; IMMUNODEFICIENCY 104, SEVERE COMBINED. Identifiers: MedGen C5676890, MONDO:0012163, OMIM 608971.

Allele frequency attached by ClinVar (database versions not stated): gnomAD exomes 0.00003.
gnomAD v4.1: 11 of 1,608,716 alleles (0.00068%); highest among the groups gnomAD compares: East Asian, 0.018%; no homozygotes.

Submission:

Labcorp Genetics (formerly Invitae), Labcorp
Classification: Uncertain significance for Immunodeficiency 104. Last evaluated: 2022-12-06. Review status: criteria provided, single submitter. Criteria: Invitae Variant Classification Sherloc (09022015). Collection method: clinical testing. Allele origin: germline.
Comment: This variant is present in population databases (no rsID available, gnomAD 0.04%). In summary, the available evidence is currently insufficient to determine the role of this variant in disease. Therefore, it has been classified as a Variant of Uncertain Significance. Algorithms developed to predict the effect of missense changes on protein structure and function (SIFT, PolyPhen-2, Align-GVGD) all suggest that this variant is likely to be disruptive. ClinVar contains an entry for this variant (Variation ID: 1395143). This variant is also known as c.2516A>T. This missense change has been observed in individual(s) with Sjögren’s syndrome (PMID: 31848144). This sequence change replaces aspartic acid, which is acidic and polar, with valine, which is neutral and non-polar, at codon 1000 of the PTPRC protein (p.Asp1000Val).

Literature cited by the submitters: PubMed 31848144.

NM_002838.5(PTPRC):c.2999A>T (p.Asp1000Val)

Gene: PTPRC (protein tyrosine phosphatase receptor type C; plus strand). Cytogenetic location: 1q32.1.
Variant type: single nucleotide variant.
Coding change: c.2999A>T on transcript NM_002838.5 (MANE Select); coding-DNA position 2999, A replaced by T.
Protein change: p.Asp1000Val; replaces aspartic acid 1000 with valine.
Molecular consequence: missense variant.
Genome position (GRCh38, 1-based): chr1:198,749,476, A>T. VCF-style: chr1-198749476-A-T. GRCh37 (hg19) VCF-style: chr1-198718605-A-T.
Other names: c.2516A>T, p.Asp839Val (NM_080921.4); short protein forms D1000V, D839V.
Identifiers: ClinVar variation 1395143 (VCV001395143.8), dbSNP rs1485162890, ClinGen allele CA344053208.